The following is an entry in ClinVar:

NM_001134407.3(GRIN2A):c.2710A>T (p.Ile904Phe)

Gene: GRIN2A (glutamate ionotropic receptor NMDA type subunit 2A; minus strand). Cytogenetic location: 16p13.2.
Variant type: single nucleotide variant.
Coding change: c.2710A>T on transcript NM_001134407.3 (MANE Select); coding-DNA position 2710, A replaced by T.
Protein change: p.Ile904Phe; replaces isoleucine 904 with phenylalanine.
Molecular consequence: missense variant.
Genome position (GRCh38, 1-based): chr16:9,764,834, T>A on the plus strand (A>T on the coding strand, the complement: GRIN2A is on the minus strand). VCF-style: chr16-9764834-T-A. GRCh37 (hg19) VCF-style: chr16-9858691-T-A.
Other names: c.2710A>T, p.Ile904Phe (NM_000833.5, NM_001134408.2); short protein forms I904F.
Identifiers: ClinVar variation 433122 (VCV000433122.4), dbSNP rs1555482933, ClinGen allele CA394709525.

ClinVar aggregate classification (germline): Uncertain significance. Review status: criteria provided, single submitter (1 of 4 stars). 2 submissions from 2 submitters: Uncertain significance (1). 1 of the submissions does not count toward it. Last evaluated 2020-03-04.

Conditions:
Self-limited epilepsy with centrotemporal spikes. Also called: Rolandic epilepsy; Childhood epilepsy with centrotemporal spikes. Identifiers: Orphanet 1945, MedGen C0376532, MONDO:0007295.
Landau-Kleffner syndrome (FESD). Also called: EPILEPSY, FOCAL, WITH SPEECH DISORDER AND WITH OR WITHOUT MENTAL RETARDATION; APHASIA, ACQUIRED, WITH EPILEPSY. Identifiers: Orphanet 1945, Orphanet 725, Orphanet 98818, MedGen C0282512, MONDO:0009509, OMIM 245570.

Allele frequency attached by ClinVar (database versions not stated): gnomAD exomes 0.00001; TOPMed below 0.00001.
gnomAD v4.1: 3 of 1,614,164 alleles (0.00019%); highest among the groups gnomAD compares: Non-Finnish European, 0.00025%; no homozygotes.

Submissions (2):

Centre for Mendelian Genomics, University Medical Centre Ljubljana
Classification: Uncertain significance for Landau-Kleffner syndrome. Last evaluated: 2020-03-04. Review status: criteria provided, single submitter. Criteria: ACMG Guidelines, 2015. Collection method: clinical testing. Allele origin: unknown. Affected: yes.
Comment: This variant was classified as: Uncertain significance. The following ACMG criteria were applied in classifying this variant: PM2,PP2,PP3,PP5.

Bioinformatics Core, Luxembourg Center for Systems Biomedicine
Classification: Pathogenic for Self-limited epilepsy with centrotemporal spikes. Last evaluated: 2017-01-01. Review status: no assertion criteria provided. Collection method: case-control. Allele origin: germline. Affected: yes. Study: EUROEPINOMICS COGIE. Not counted in ClinVar's aggregate classification.

Literature cited by the submitters: PubMed 29358611 (cited by Bioinformatics Core, Luxembourg Center for Systems Biomedicine).